The following is an entry in ClinVar:

ClinVar aggregate classification (germline): Benign/Likely benign. Review status: criteria provided, multiple submitters, no conflicts (2 of 4 stars). 2 submissions from 2 submitters: Benign (1); Likely benign (1). Last evaluated 2025-07-27.

Allele frequency attached by ClinVar (database versions not stated): TOPMed 0.00003; gnomAD exomes 0.00004; ExAC 0.00005; gnomAD 0.00007 and 0.00008.
gnomAD v4.1: 45 of 1,207,313 alleles (0.0037%); highest among the groups gnomAD compares: Non-Finnish European, 0.005%; no homozygotes.

Submissions (2):

Labcorp Genetics (formerly Invitae), Labcorp
Classification: Benign. Last evaluated: 2025-07-27. Review status: criteria provided, single submitter. Criteria: Invitae Variant Classification Sherloc (09022015). Collection method: clinical testing. Allele origin: germline.

CeGaT Center for Human Genetics Tuebingen
Classification: Likely benign. Last evaluated: 2023-09-01. Review status: criteria provided, single submitter. Criteria: CeGaT Center For Human Genetics Tuebingen Variant Classification Criteria Version 2. Collection method: clinical testing. Allele origin: germline. Affected: yes. Observed: 2 variant alleles.
Comment: COL4A5: BP4, BP7, BS2

NM_033380.3(COL4A5):c.3957G>T (p.Arg1319=)

Gene: COL4A5 (collagen type IV alpha 5 chain; plus strand). Cytogenetic location: Xq22.3.
Variant type: single nucleotide variant.
Coding change: c.3957G>T on transcript NM_033380.3 (MANE Select); coding-DNA position 3957, G replaced by T.
Protein change: p.Arg1319=; no amino-acid change (arginine 1319 retained).
Molecular consequence: synonymous variant.
Genome position (GRCh38, 1-based): chrX:108,680,693, G>T. VCF-style: chrX-108680693-G-T. GRCh37 (hg19) VCF-style: chrX-107923923-G-T.
Other names: c.3939G>T, p.Arg1313= (NM_000495.5).
Identifiers: ClinVar variation 1621537 (VCV001621537.33), dbSNP rs758920904, ClinGen allele CA10489253.